The following is an entry in ClinVar:

GRCh37/hg19 5q35.3(chr5:176812675-176813587)

Gene: SLC34A1 (solute carrier family 34 member 1; plus strand). Cytogenetic location: 5q35.3.
Variant type: copy number loss.
Identifiers: ClinVar variation 1179157 (VCV001179157.2).

ClinVar aggregate classification (germline): Pathogenic (0 of 4 stars; one submission).

Conditions:
Hypophosphatemic nephrolithiasis/osteoporosis 1. Identifiers: Orphanet 244305, MedGen C2676786, MONDO:0012850, OMIM 612286.
Fanconi renotubular syndrome 2 (FRTS2). Identifiers: MedGen C3150652, MONDO:0013247, OMIM 613388.
Hypercalcemia, infantile, 2 (HCINF2). Identifiers: Orphanet 300547, MedGen C4310473, MONDO:0014851, OMIM 616963.

Submission:

Fulgent Genetics
Classification: Pathogenic for Hypophosphatemic nephrolithiasis/osteoporosis 1; Fanconi renotubular syndrome 2; Hypercalcemia, infantile, 2. Review status: no assertion criteria provided. Collection method: clinical testing. Allele origin: unknown.
Comment: This variant has been detected in individual(s) who were sent for testing of Renasight - kidney gene panel.